The following is an entry in ClinVar:

ClinVar aggregate classification (germline): Uncertain significance (1 of 4 stars; one submission).

Allele frequency attached by ClinVar (database versions not stated): gnomAD 0.00001; gnomAD exomes 0.00001; TOPMed 0.00002; ExAC 0.00004; ESP Exome Variant Server 0.00015.
gnomAD v4.1: 14 of 1,614,008 alleles (0.00087%); highest among the groups gnomAD compares: Admixed American, 0.005%; no homozygotes.

Submission:

Labcorp Genetics (formerly Invitae), Labcorp
Classification: Uncertain significance. Last evaluated: 2022-10-17. Review status: criteria provided, single submitter. Criteria: Invitae Variant Classification Sherloc (09022015). Collection method: clinical testing. Allele origin: germline.
Comment: Advanced modeling of protein sequence and biophysical properties (such as structural, functional, and spatial information, amino acid conservation, physicochemical variation, residue mobility, and thermodynamic stability) has been performed at Invitae for this missense variant, however the output from this modeling did not meet the statistical confidence thresholds required to predict the impact of this variant on ACY1 protein function. In summary, the available evidence is currently insufficient to determine the role of this variant in disease. Therefore, it has been classified as a Variant of Uncertain Significance. This sequence change replaces arginine, which is basic and polar, with histidine, which is basic and polar, at codon 350 of the ACY1 protein (p.Arg350His). This variant is present in population databases (rs145142945, gnomAD 0.009%). This variant has not been reported in the literature in individuals affected with ACY1-related conditions.

NM_000666.3(ACY1):c.1049G>A (p.Arg350His)

Genes: ACY1 (aminoacylase 1; plus strand), ABHD14A-ACY1 (ABHD14A-ACY1 readthrough; plus strand). Cytogenetic location: 3p21.2.
Variant type: single nucleotide variant.
Coding change: c.1049G>A on transcript NM_000666.3 (MANE Select); coding-DNA position 1049, G replaced by A.
Protein change: p.Arg350His; replaces arginine 350 with histidine.
Molecular consequence: missense variant.
Genome position (GRCh38, 1-based): chr3:51,988,813, G>A. VCF-style: chr3-51988813-G-A. GRCh37 (hg19) VCF-style: chr3-52022829-G-A.
Other names: c.1319G>A, p.Arg440His (NM_001316331.2); c.1049G>A, p.Arg350His (NM_001198895.2); c.833G>A, p.Arg278His (NM_001198896.2); c.854G>A, p.Arg285His (NM_001198897.2); c.944G>A, p.Arg315His (NM_001198898.2); short protein forms R350H, R285H, R315H, R440H, R278H.
Identifiers: ClinVar variation 1940049 (VCV001940049.5), dbSNP rs145142945, ClinGen allele CA2428730.
Genomic context (GRCh38, chr3:51,988,813, plus strand): 5'-CTTTCTCCTACAGGAACCTCACTCTGGAGCCTGAGATCATGCCTGCTGCCACTGACAACC[G>A]CTATATCCGCGCGGTGAGCCACTTGCATATAGTGCCTGGGCAGTGGACTGGGCCTGAGTG-3'
Protein context (NP_000657.1, residues 340-360): PEIMPAATDN[Arg350His]YIRAVGVPAL